The following is an entry in ClinVar:

ClinVar aggregate classification (germline): Uncertain significance (1 of 4 stars; one submission).

Submission:

GeneDx
Classification: Uncertain significance. Last evaluated: 2024-01-16. Review status: criteria provided, single submitter. Criteria: GeneDx Variant Classification Process June 2021. Collection method: clinical testing. Allele origin: germline. Affected: yes.
Comment: Not observed at significant frequency in large population cohorts (gnomAD); In silico analysis supports that this missense variant does not alter protein structure/function; Has not been previously published as pathogenic or benign to our knowledge

NM_020706.2(SCAF4):c.3224C>A (p.Ala1075Asp)

Gene: SCAF4 (SR-related CTD associated factor 4; minus strand). Cytogenetic location: 21q22.11.
Variant type: single nucleotide variant.
Coding change: c.3224C>A on transcript NM_020706.2 (MANE Select); coding-DNA position 3224, C replaced by A.
Protein change: p.Ala1075Asp; replaces alanine 1075 with aspartic acid.
Molecular consequence: missense variant.
Genome position (GRCh38, 1-based): chr21:31,671,619, G>T on the plus strand (C>A on the coding strand, the complement: SCAF4 is on the minus strand). VCF-style: chr21-31671619-G-T. GRCh37 (hg19) VCF-style: chr21-33043932-G-T.
Other names: c.3179C>A, p.Ala1060Asp (NM_001145444.1); c.3158C>A, p.Ala1053Asp (NM_001145445.1); short protein forms A1053D, A1060D, A1075D.
Identifiers: ClinVar variation 3367922 (VCV003367922.1).
Genomic context (GRCh38, chr21:31,671,619, plus strand): 5'-GGTTCAACGGTTTTGTTACCACCTGCCCTGTCTGTCACCTCAGGCTTTTCCTTTCCTCGG[G>T]CTTCTTCCTTCTCTCTACGAGACTCTCTATCTCTAGAATCTCTCTCTCTGTCTCGATGCC-3'
Protein context (NP_065757.1, residues 1065-1085): DRESRREKEE[Ala1075Asp]RGKEKPEVTD